The following is an entry in ClinVar:

ClinVar aggregate classification (germline): Benign; risk factor. Review status: no assertion criteria provided (0 of 4 stars). 2 submissions from 2 submitters: Benign (1). Last evaluated 2024-03-29.

Conditions:
Lumbar disk herniation, susceptibility to. Also called: Lumbar disc herniation, susceptibility to. Identifiers: MedGen C2676840, MONDO:0100202.
THBS2-related disorder. Also called: THBS2-related condition.

Allele frequency attached by ClinVar (database versions not stated): ESP Exome Variant Server 0.30098; gnomAD 0.30867 and 0.31830; TOPMed 0.31833; 1000 Genomes Project 30x 0.35306; 1000 Genomes Project 0.35563; gnomAD exomes 0.36552 and 0.36916; ExAC 0.36843.
gnomAD v4.1: 576,464 of 1,598,004 alleles (36%); highest among the groups gnomAD compares: East Asian, 54%; 107,259 homozygotes.

Submissions (2):

PreventionGenetics, part of Exact Sciences
Classification: Benign for THBS2-related condition. Last evaluated: 2024-03-29. Review status: no assertion criteria provided. Collection method: clinical testing. Allele origin: germline.
Comment: This variant is classified as benign based on ACMG/AMP sequence variant interpretation guidelines (Richards et al. 2015 PMID: 25741868, with internal and published modifications).

OMIM
Classification: risk factor for LUMBAR DISC HERNIATION, SUSCEPTIBILITY TO. Last evaluated: 2008-05-01. Review status: no assertion criteria provided. Collection method: literature only. Allele origin: germline.

Literature cited by the submitters: PubMed 18455130 (cited by OMIM).

NM_003247.5(THBS2):c.1478-8C>T

Genes: THBS2 (thrombospondin 2; minus strand), THBS2-AS1 (THBS2 antisense RNA 1; plus strand). Cytogenetic location: 6q27.
Variant type: single nucleotide variant.
Coding change: c.1478-8C>T on transcript NM_003247.5 (MANE Select); 8 bases into the intron before coding-DNA position 1478, C replaced by T.
Molecular consequence: intron variant.
Genome position (GRCh38, 1-based): chr6:169,234,915, G>A on the plus strand (C>T on the coding strand, the complement: THBS2 is on the minus strand). VCF-style: chr6-169234915-G-A. GRCh37 (hg19) VCF-style: chr6-169635010-G-A.
Other names: IVS10, C-T, -8; c.1478-1898C>T (NM_001381939.1); c.1247-8C>T (NM_001381942.1); c.1478-8C>T (NM_001381940.1, NM_003247.3).
Identifiers: ClinVar variation 12713 (VCV000012713.3), dbSNP rs9406328, ClinGen allele CA4103269.